The following is an entry in ClinVar:

NM_004174.4(SLC9A3):c.1467G>A (p.Ser489=)

Gene: SLC9A3 (solute carrier family 9 member A3). Cytogenetic location: 5p15.33.
Variant type: single nucleotide variant.
Coding change: c.1467G>A on transcript NM_004174.4 (MANE Select); coding-DNA position 1467, G replaced by A.
Protein change: p.Ser489=; no amino-acid change (serine 489 retained).
Molecular consequence: synonymous variant.
Genome position (GRCh38, 1-based): chr5:481,615, C>T on the plus strand (G>A on the coding strand, the complement: SLC9A3 is on the minus strand). VCF-style: chr5-481615-C-T. GRCh37 (hg19) VCF-style: chr5-481730-C-T.
Other names: c.1467G>A (NM_004174.3); c.1440G>A, p.Ser480= (NM_001284351.3).
Identifiers: ClinVar variation 1166721 (VCV001166721.11), dbSNP rs146433621, ClinGen allele CA3175870.

ClinVar aggregate classification (germline): Benign/Likely benign. Review status: criteria provided, multiple submitters, no conflicts (2 of 4 stars). 3 submissions from 3 submitters: Benign (1); Likely benign (2). Last evaluated 2026-01-14.

Conditions:
SLC9A3-related disorder. Also called: SLC9A3-related condition.

Allele frequency attached by ClinVar (database versions not stated): gnomAD exomes 0.00014 and 0.00046; ExAC 0.00049; 1000 Genomes Project 30x 0.00078; 1000 Genomes Project 0.00080; gnomAD 0.00137 and 0.00150; TOPMed 0.00172; ESP Exome Variant Server 0.00200.
gnomAD v4.1: 416 of 1,614,006 alleles (0.026%); highest among the groups gnomAD compares: African/African-American, 0.43%; no homozygotes.

Submissions (3):

Labcorp Genetics (formerly Invitae), Labcorp
Classification: Benign. Last evaluated: 2026-01-14. Review status: criteria provided, single submitter. Criteria: Invitae Variant Classification Sherloc (09022015). Collection method: clinical testing. Allele origin: germline.

PreventionGenetics, part of Exact Sciences
Classification: Likely benign for SLC9A3-related condition. Last evaluated: 2024-12-13. Review status: criteria provided, single submitter. Criteria: ACMG Guidelines, 2015. Collection method: clinical testing. Allele origin: germline.
Comment: This variant is classified as likely benign based on ACMG/AMP sequence variant interpretation guidelines (Richards et al. 2015 PMID: 25741868, with internal and published modifications).

Blueprint Genetics
Classification: Likely benign. Last evaluated: 2024-10-09. Review status: criteria provided, single submitter. Criteria: ACMG Guidelines, 2015. Collection method: clinical testing. Allele origin: germline.